The following is an entry in ClinVar:

ClinVar aggregate classification (germline): Uncertain significance (1 of 4 stars; one submission).

Allele frequency attached by ClinVar (database versions not stated): gnomAD exomes 0.00001; TOPMed 0.00001; gnomAD 0.00002; ExAC 0.00004.
gnomAD v4.1: 11 of 1,611,820 alleles (0.00068%); highest among the groups gnomAD compares: Admixed American, 0.0033%; no homozygotes.

Submission:

Labcorp Genetics (formerly Invitae), Labcorp
Classification: Uncertain significance. Last evaluated: 2022-08-20. Review status: criteria provided, single submitter. Criteria: Invitae Variant Classification Sherloc (09022015). Collection method: clinical testing. Allele origin: germline.
Comment: This sequence change falls in intron 11 of the MYO18B gene. It does not directly change the encoded amino acid sequence of the MYO18B protein. It affects a nucleotide within the consensus splice site. This variant is present in population databases (rs756063834, gnomAD 0.007%). This variant has not been reported in the literature in individuals affected with MYO18B-related conditions. Variants that disrupt the consensus splice site are a relatively common cause of aberrant splicing (PMID: 17576681, 9536098). Algorithms developed to predict the effect of sequence changes on RNA splicing suggest that this variant is not likely to affect RNA splicing. In summary, the available evidence is currently insufficient to determine the role of this variant in disease. Therefore, it has been classified as a Variant of Uncertain Significance.

Literature cited by the submitters: PubMed 17576681; PubMed 9536098.

NM_032608.7(MYO18B):c.2376+6G>A

Gene: MYO18B (myosin XVIIIB; plus strand). Cytogenetic location: 22q12.1.
Variant type: single nucleotide variant.
Coding change: c.2376+6G>A on transcript NM_032608.7 (MANE Select); 6 bases into the intron after coding-DNA position 2376, G replaced by A.
Molecular consequence: intron variant.
Genome position (GRCh38, 1-based): chr22:25,785,497, G>A. VCF-style: chr22-25785497-G-A. GRCh37 (hg19) VCF-style: chr22-26181464-G-A.
Other names: c.2376+6G>A (NM_001318245.2).
Identifiers: ClinVar variation 1935712 (VCV001935712.5), dbSNP rs756063834, ClinGen allele CA10160140.